The following is an entry in ClinVar:

NM_007294.4(BRCA1):c.1473_1474del (p.Gln491fs)

Gene: BRCA1 (BRCA1 DNA repair associated; minus strand). Cytogenetic location: 17q21.31.
Variant type: Deletion.
Coding change: c.1473_1474del on transcript NM_007294.4 (MANE Select); coding-DNA positions 1473 to 1474, 2 bases deleted (GA; older notation c.1473_1474delGA).
Protein change: p.Gln491fs; shifts the reading frame from glutamine 491.
Molecular consequence: frameshift variant. On other transcripts: intron variant (137).
Genome position (GRCh38, 1-based): chr17:43,094,057-43,094,058, TC deleted on the plus strand (GA on the coding strand, the reverse complement: BRCA1 is on the minus strand); deleting any 2 consecutive bases within chr17:43,094,057-43,094,059 gives the same sequence; the c. name uses the placement nearest the transcript's 3' end. VCF-style (leftmost placement, unchanged base first): chr17-43094056-ATC-A. GRCh37 (hg19) VCF-style: chr17-41246073-ATC-A.
Other names: c.1473_1474delGA (NM_007294.3); c.1260_1261del, p.Gln420fs (NM_001407571.1, NM_001407853.1, NM_001407894.1 and 9 more transcripts); c.1473_1474del, p.Gln491fs (NM_001407581.1, NM_001407582.1, NM_001407583.1 and 30 more transcripts); c.1470_1471del, p.Gln490fs (NM_001407587.1, NM_001407590.1, NM_001407591.1 and 22 more transcripts); c.1464_1465del, p.Gln488fs (NM_001407646.1, NM_001407647.1); c.1350_1351del, p.Gln450fs (NM_001407648.1, NM_001407664.1, NM_001407665.1 and 19 more transcripts); c.1347_1348del, p.Gln449fs (NM_001407649.1, NM_001407670.1, NM_001407671.1 and 11 more transcripts); c.1395_1396del, p.Gln465fs (NM_001407653.1, NM_001407654.1, NM_001407655.1 and 4 more transcripts); and 41 more; short protein forms Q444fs, Q491fs, Q323fs, Q421fs, Q195fs, Q380fs, Q464fs, Q488fs.
Identifiers: ClinVar variation 2028059 (VCV002028059.5), dbSNP rs2552207753, ClinGen allele CA2580093807.
Genomic context (GRCh38, chr17:43,094,056, plus strand): 5'-AGGCCTGATGTAGGTCTCCTTTTACGCTTTAATTTATTTGTGAGGGGACGCTCTTGTATT[ATC>A]TGTGGCTCAGTAACAAATGCTCCTATAATTAGATTTTCAGTTACATGGCTTAAGTTGGGG-3'

ClinVar aggregate classification (germline): Pathogenic. Review status: criteria provided, multiple submitters, no conflicts (2 of 4 stars). 2 submissions from 2 submitters: Pathogenic (2). Last evaluated 2024-07-03.

Conditions:
Hereditary cancer-predisposing syndrome. Also called: Hereditary Cancer Syndrome; Tumor predisposition; Neoplastic Syndromes, Hereditary; Hereditary neoplastic syndrome. Identifiers: Orphanet 140162, MedGen C0027672, MeSH D009386, MONDO:0015356.
Hereditary breast ovarian cancer syndrome. Also called: BRCA1- and BRCA2-Associated Hereditary Breast and Ovarian Cancer; Hereditary breast and ovarian cancer; Hereditary breast and ovarian cancer syndrome (HBOC); Breast and ovarian cancer; Hereditary breast and ovarian cancer syndrome; Hereditary breast and/or ovarian cancer syndrome. Identifiers: Orphanet 145, MedGen C0677776, MeSH D061325, MONDO:0003582. Disease mechanism: loss of function.

Submissions (2):

Ambry Genetics
Classification: Pathogenic for Hereditary cancer-predisposing syndrome. Last evaluated: 2024-07-03. Review status: criteria provided, single submitter. Criteria: Ambry Variant Classification Scheme 2023. Collection method: clinical testing. Allele origin: germline.
Comment: The c.1473_1474delGA pathogenic mutation, located in coding exon 9 of the BRCA1 gene, results from a deletion of two nucleotides at nucleotide positions 1473 to 1474, causing a translational frameshift with a predicted alternate stop codon (p.Q491Hfs*10). This variant is considered to be rare based on population cohorts in the Genome Aggregation Database (gnomAD). This alteration is expected to result in loss of function by premature protein truncation or nonsense-mediated mRNA decay. As such, this alteration is interpreted as a disease-causing mutation.

Labcorp Genetics (formerly Invitae), Labcorp
Classification: Pathogenic for Hereditary breast ovarian cancer syndrome. Last evaluated: 2022-08-31. Review status: criteria provided, single submitter. Criteria: Invitae Variant Classification Sherloc (09022015). Collection method: clinical testing. Allele origin: germline.
Comment: This sequence change creates a premature translational stop signal (p.Gln491Hisfs*10) in the BRCA1 gene. It is expected to result in an absent or disrupted protein product. Loss-of-function variants in BRCA1 are known to be pathogenic (PMID: 20104584). For these reasons, this variant has been classified as Pathogenic. This variant has not been reported in the literature in individuals affected with BRCA1-related conditions. This variant is not present in population databases (gnomAD no frequency).

Literature cited by the submitters: PubMed 20104584 (cited by Labcorp Genetics (formerly Invitae), Labcorp).